The following is an entry in ClinVar:

NM_003000.3(SDHB):c.672T>C (p.Asp224=)

Gene: SDHB (succinate dehydrogenase complex iron sulfur subunit B; minus strand). Cytogenetic location: 1p36.13.
Variant type: single nucleotide variant.
Coding change: c.672T>C on transcript NM_003000.3 (MANE Select); coding-DNA position 672, T replaced by C.
Protein change: p.Asp224=; no amino-acid change (aspartic acid 224 retained).
Molecular consequence: synonymous variant.
Genome position (GRCh38, 1-based): chr1:17,022,701, A>G on the plus strand (T>C on the coding strand, the complement: SDHB is on the minus strand). VCF-style: chr1-17022701-A-G. GRCh37 (hg19) VCF-style: chr1-17349196-A-G.
Other names: c.618T>C, p.Asp206= (NM_001407361.1).
Identifiers: ClinVar variation 2923067 (VCV002923067.4), dbSNP rs2101513936, ClinGen allele CA416082127.
Genomic context (GRCh38, chr1:17,022,701, plus strand): 5'-GTGGCAGCGGTATAGAGAGAATGGGTCCTGCAGCTTGGCCAGGCGCTCCTCTGTGAAGTC[A>G]TCTCTGGAGTCAATCATCCAGCGATAGGCCTGGAAAACCAGGGATGATTAGCTGAGCTGC-3'
Protein context (NP_002991.2, residues 214-234): QAYRWMIDSR[Asp224=]DFTEERLAKL

ClinVar aggregate classification (germline): Likely benign. Review status: criteria provided, multiple submitters, no conflicts (2 of 4 stars). 2 submissions from 2 submitters: Likely benign (2). Last evaluated 2024-03-24.

Conditions:
Pheochromocytoma. Also called: MAX-Related Hereditary Paraganglioma-Pheochromocytoma Syndrome. Identifiers: Orphanet 29072, MedGen C0031511, MONDO:0008233, OMIM 171300, HP:0002666.
Gastrointestinal stromal tumor. Also called: Gastrointestinal stromal tumor, somatic; Gastrointestinal stroma tumor. Identifiers: Orphanet 44890, MedGen C0238198, MeSH D046152, MONDO:0011719, OMIM 606764, HP:0100723.
Pheochromocytoma/paraganglioma syndrome 4. Also called: CAROTID BODY TUMORS AND MULTIPLE EXTRAADRENAL PHEOCHROMOCYTOMAS; PARAGANGLIOMA, FAMILIAL MALIGNANT; PARAGANGLIOMAS, HEREDITARY EXTRAADRENAL; PHEOCHROMOCYTOMA, FAMILIAL EXTRAADRENAL; Paragangliomas 4; SDHB-Related Hereditary Paraganglioma-Pheochromocytoma Syndrome (Paragangliomas 4). Identifiers: Orphanet 29072, MedGen C1861848, MONDO:0007273, OMIM 115310.
Hereditary pheochromocytoma and paraganglioma. Also called: Hereditary pheochromocytoma-paraganglioma; Hereditary Paraganglioma-Pheochromocytoma Syndromes; Hereditary paragangliomas and pheochromocytomas. Identifiers: Orphanet 29072, MedGen C4274332, MONDO:0017366.

Submissions (2):

All of Us Research Program, National Institutes of Health
Classification: Likely benign for Hereditary pheochromocytoma and paraganglioma. Last evaluated: 2024-03-24. Review status: criteria provided, single submitter. Criteria: ACMG Guidelines, 2015. Collection method: clinical testing. Allele origin: germline. Inheritance: Autosomal dominant inheritance. Observed: 1 variant allele, 1 heterozygote.
Comment: This study involves interpretation of variants in research participants for the purpose of population health screening. Participant phenotype was not available at the time of variant classification. Additional details can be found in publication PMID: 35346344, PMCID: PMC8962531

Labcorp Genetics (formerly Invitae), Labcorp
Classification: Likely benign for Gastrointestinal stromal tumor; Pheochromocytoma/paraganglioma syndrome 4; Pheochromocytoma. Last evaluated: 2023-01-18. Review status: criteria provided, single submitter. Criteria: Invitae Variant Classification Sherloc (09022015). Collection method: clinical testing. Allele origin: germline.